The following is an entry in ClinVar:

NM_004006.3(DMD):c.11047-20dup

Gene: DMD (dystrophin; minus strand). Cytogenetic location: Xp21.2.
Variant type: Duplication.
Coding change: c.11047-20dup on transcript NM_004006.3 (MANE Select); 20 bases into the intron before coding-DNA position 11047, one base duplicated (T; older notation c.11047-20dupT).
Molecular consequence: intron variant.
Genome position (GRCh38, 1-based): chrX:31,121,950, A duplicated on the plus strand (T on the coding strand, the reverse complement: DMD is on the minus strand); the first of 3 consecutive A bases (chrX:31,121,950-31,121,952); duplicating any one gives the same sequence. VCF-style (leftmost placement, unchanged base first): chrX-31121949-G-GA. GRCh37 (hg19) VCF-style: chrX-31140066-G-GA.
Other names: c.11023-20dup (NM_000109.4); c.7024-20dup (NM_004011.4); c.7015-20dup (NM_004012.4); c.3305-20dup (NM_004023.3); c.3337-20dup (NM_004020.4); c.3596-20dup (NM_004022.3); c.3635-20dup (NM_004021.3); c.3667-20dup (NM_004013.3); and 8 more.
Identifiers: ClinVar variation 421505 (VCV000421505.2), dbSNP rs1555973024, ClinGen allele CA16621357.

ClinVar aggregate classification (germline): Likely benign. Review status: criteria provided, multiple submitters, no conflicts (2 of 4 stars). 2 submissions from 2 submitters: Likely benign (2). Last evaluated 2025-05-27.

Conditions:
Duchenne muscular dystrophy (DMD). Also called: MUSCULAR DYSTROPHY, PSEUDOHYPERTROPHIC PROGRESSIVE, DUCHENNE TYPE; Duchenne Muscular Dystrophy (DMD). Identifiers: Orphanet 98896, MedGen C0013264, MONDO:0010679, OMIM 310200.

Submissions (2):

Labcorp Genetics (formerly Invitae), Labcorp
Classification: Likely benign for Duchenne muscular dystrophy. Last evaluated: 2025-05-27. Review status: criteria provided, single submitter. Criteria: Invitae Variant Classification Sherloc (09022015). Collection method: clinical testing. Allele origin: germline.

GeneDx
Classification: Likely benign. Last evaluated: 2016-06-22. Review status: criteria provided, single submitter. Criteria: GeneDx Variant Classification (06012015). Collection method: clinical testing. Allele origin: germline. Affected: yes.
Comment: This variant is considered likely benign or benign based on one or more of the following criteria: it is a conservative change, it occurs at a poorly conserved position in the protein, it is predicted to be benign by multiple in silico algorithms, and/or has population frequency not consistent with disease.